The following is an entry in ClinVar:

NM_000514.4(GDNF):c.*2204G>T

Gene: GDNF (glial cell derived neurotrophic factor; minus strand). Cytogenetic location: 5p13.2.
Variant type: single nucleotide variant.
Coding change: c.*2204G>T on transcript NM_000514.4 (MANE Select); 2204 bases downstream of the stop codon, G replaced by T.
Molecular consequence: 3 prime UTR variant.
Genome position (GRCh38, 1-based): chr5:37,813,447, C>A on the plus strand (G>T on the coding strand, the complement: GDNF is on the minus strand). VCF-style: chr5-37813447-C-A. GRCh37 (hg19) VCF-style: chr5-37813549-C-A.
Other names: c.*2204G>T (NM_001190468.1, NM_001190469.1, NM_001278098.1 and 1 more transcripts).
Identifiers: ClinVar variation 353479 (VCV000353479.6), dbSNP rs72745194, ClinGen allele CA10624701.
Genomic context (GRCh38, chr5:37,813,447, plus strand): 5'-AGGTAGGTAGTAATAGATTATCTCCTTAATGAAAATCCCTTTTATGAAATGCGTAACAAG[C>A]TGTAATACAGGGCCTAGTGTGTCATACATGTGTTGGCTGCCCGATAAATTCACAATCTAG-3'

ClinVar aggregate classification (germline): Benign. Review status: criteria provided, multiple submitters, no conflicts (2 of 4 stars). 2 submissions from 2 submitters: Benign (2). Last evaluated 2018-01-13.

Conditions:
Hirschsprung disease, susceptibility to, 3. Identifiers: Orphanet 388, MedGen C3150974, MONDO:0013383, OMIM 613711.

Allele frequency attached by ClinVar (database versions not stated): 1000 Genomes Project 0.03235; gnomAD 0.03333 and 0.03446; 1000 Genomes Project 30x 0.03482; TOPMed 0.03615.

Submissions (2):

Illumina Laboratory Services, Illumina
Classification: Benign for Hirschsprung disease, susceptibility to, 3. Last evaluated: 2018-01-13. Review status: criteria provided, single submitter. Criteria: ICSL Variant Classification Criteria 13 December 2019. Collection method: clinical testing. Allele origin: germline.
Comment: This variant was observed in the ICSL laboratory as part of a predisposition screen in an ostensibly healthy population. It had not been previously curated by ICSL or reported in the Human Gene Mutation Database (HGMD: prior to June 1st, 2018), and was therefore a candidate for classification through an automated scoring system. Utilizing variant allele frequency, disease prevalence and penetrance estimates, and inheritance mode, an automated score was calculated to assess if this variant is too frequent to cause the disease. Based on the score and internal cut-off values, a variant classified as benign is not then subjected to further curation. The score for this variant resulted in a classification of benign for this disease.

Breakthrough Genomics
Classification: Benign. Review status: criteria provided, single submitter. Criteria: ACMG Guidelines, 2015. Collection method: not provided. Allele origin: germline. Inheritance: Autosomal dominant inheritance. Affected: yes.